The following is an entry in ClinVar:

NM_002528.7(NTHL1):c.895C>A (p.Pro299Thr)

Gene: NTHL1 (nth like DNA glycosylase 1; minus strand). Cytogenetic location: 16p13.3.
Variant type: single nucleotide variant.
Coding change: c.895C>A on transcript NM_002528.7 (MANE Select); coding-DNA position 895, C replaced by A.
Protein change: p.Pro299Thr; replaces proline 299 with threonine.
Molecular consequence: missense variant.
Genome position (GRCh38, 1-based): chr16:2,039,944, G>T on the plus strand (C>A on the coding strand, the complement: NTHL1 is on the minus strand). VCF-style: chr16-2039944-G-T. GRCh37 (hg19) VCF-style: chr16-2089945-G-T.
Other names: c.724C>A, p.Pro242Thr (NM_001318193.2); c.565C>A, p.Pro189Thr (NM_001318194.2); short protein forms P242T, P189T, P299T.
Identifiers: ClinVar variation 3654829 (VCV003654829.2).

ClinVar aggregate classification (germline): Uncertain significance (1 of 4 stars; one submission).

Submission:

Labcorp Genetics (formerly Invitae), Labcorp
Classification: Uncertain significance. Last evaluated: 2024-05-28. Review status: criteria provided, single submitter. Criteria: Invitae Variant Classification Sherloc (09022015). Collection method: clinical testing. Allele origin: germline.
Comment: This sequence change replaces proline, which is neutral and non-polar, with threonine, which is neutral and polar, at codon 307 of the NTHL1 protein (p.Pro307Thr). This variant is not present in population databases (gnomAD no frequency). This variant has not been reported in the literature in individuals affected with NTHL1-related conditions. An algorithm developed to predict the effect of missense changes on protein structure and function (PolyPhen-2) suggests that this variant is likely to be disruptive. In summary, the available evidence is currently insufficient to determine the role of this variant in disease. Therefore, it has been classified as a Variant of Uncertain Significance.